The following is an entry in ClinVar:

NM_001042432.2(CLN3):c.749G>C (p.Arg250Pro)

Gene: CLN3 (CLN3 lysosomal/endosomal transmembrane protein, battenin; minus strand). Cytogenetic location: 16p12.1.
Variant type: single nucleotide variant.
Coding change: c.749G>C on transcript NM_001042432.2 (MANE Select); coding-DNA position 749, G replaced by C.
Protein change: p.Arg250Pro; replaces arginine 250 with proline.
Molecular consequence: missense variant.
Genome position (GRCh38, 1-based): chr16:28,484,047, C>G on the plus strand (G>C on the coding strand, the complement: CLN3 is on the minus strand). VCF-style: chr16-28484047-C-G. GRCh37 (hg19) VCF-style: chr16-28495368-C-G.
Other names: c.749G>C, p.Arg250Pro (NM_000086.2); c.677G>C, p.Arg226Pro (NM_001286104.2); c.449G>C, p.Arg150Pro (NM_001286105.2); c.515G>C, p.Arg172Pro (NM_001286109.2); c.587G>C, p.Arg196Pro (NM_001286110.2); short protein forms R196P, R226P, R150P, R250P, R172P.
Identifiers: ClinVar variation 1386981 (VCV001386981.8), dbSNP rs374217931, ClinGen allele CA395344780.

ClinVar aggregate classification (germline): Uncertain significance (1 of 4 stars; one submission).

Conditions:
Neuronal ceroid lipofuscinosis. Also called: Neuronal Ceroid Lipofuscinoses. Identifiers: Orphanet 216, Orphanet 79263, MedGen C0027877, MONDO:0016295. Disease mechanism: loss of function.

Submission:

Labcorp Genetics (formerly Invitae), Labcorp
Classification: Uncertain significance for Neuronal ceroid lipofuscinosis. Last evaluated: 2021-04-11. Review status: criteria provided, single submitter. Criteria: Invitae Variant Classification Sherloc (09022015). Collection method: clinical testing. Allele origin: germline.
Comment: In summary, the available evidence is currently insufficient to determine the role of this variant in disease. Therefore, it has been classified as a Variant of Uncertain Significance. Algorithms developed to predict the effect of missense changes on protein structure and function are either unavailable or do not agree on the potential impact of this missense change (SIFT: "Tolerated"; PolyPhen-2: "Probably Damaging"; Align-GVGD: "Class C0"). This variant has not been reported in the literature in individuals with CLN3-related conditions. This variant is not present in population databases (ExAC no frequency). This sequence change replaces arginine with proline at codon 250 of the CLN3 protein (p.Arg250Pro). The arginine residue is moderately conserved and there is a moderate physicochemical difference between arginine and proline.